The following is an entry in ClinVar:

NM_005751.5(AKAP9):c.4956A>T (p.Arg1652Ser)

Genes: AKAP9 (A-kinase anchoring protein 9; plus strand), LOC121175350 (Sharpr-MPRA regulatory region 2641; plus strand). Cytogenetic location: 7q21.2.
Variant type: single nucleotide variant.
Coding change: c.4956A>T on transcript NM_005751.5 (MANE Select); coding-DNA position 4956, A replaced by T.
Protein change: p.Arg1652Ser; replaces arginine 1652 with serine.
Molecular consequence: missense variant.
Genome position (GRCh38, 1-based): chr7:92,042,084, A>T. VCF-style: chr7-92042084-A-T. GRCh37 (hg19) VCF-style: chr7-91671398-A-T.
Other names: c.4956A>T, p.Arg1652Ser (NM_147185.3); short protein forms R1652S.
Identifiers: ClinVar variation 5033830 (VCV005033830.1).

ClinVar aggregate classification (germline): Uncertain significance (1 of 4 stars; one submission).

Conditions:
Cardiovascular phenotype. Identifiers: MedGen CN230736.

gnomAD v4.1: 4 of 1,613,758 alleles (0.00025%); highest among the groups gnomAD compares: African/African-American, 0.0053%; no homozygotes.

Submission:

Ambry Genetics
Classification: Uncertain significance for Cardiovascular phenotype. Last evaluated: 2026-08-24. Review status: criteria provided, single submitter. Criteria: Ambry Variant Classification Scheme 2023. Collection method: clinical testing. Allele origin: germline.
Comment: The p.R1652S variant (also known as c.4956A>T), located in coding exon 19 of the AKAP9 gene, results from an A to T substitution at nucleotide position 4956. The arginine at codon 1652 is replaced by serine, an amino acid with dissimilar properties. This amino acid position is conserved. In addition, this alteration is predicted to be tolerated by in silico analysis. Based on the available evidence, the clinical significance of this variant remains unclear.